The following is an entry in ClinVar:

NM_030665.4(RAI1):c.834GCA[17] (p.Gln288_Gln291dup)

Gene: RAI1 (retinoic acid induced 1; plus strand). Cytogenetic location: 17p11.2.
Variant type: Microsatellite.
Coding change: c.834GCA[17] on transcript NM_030665.4 (MANE Select); 17 copies in a row of the 3-base unit GCA starting at c.834; the reference has 13 copies in a row; four copies, 12 bases duplicated.
Protein change: p.Gln288_Gln291dup.
Molecular consequence: inframe insertion.
Genome position (GRCh38, 1-based): chr17:17,793,809-17,793,820, GCAGCAGCAGCA duplicated; duplicating any 12 consecutive bases within chr17:17,793,780-17,793,820 gives the same sequence; the position shown is the placement nearest the transcript's 3' end. VCF-style (leftmost placement, unchanged base first): chr17-17793779-C-CCAGCAGCAGCAG. GRCh37 (hg19) VCF-style: chr17-17697093-C-CCAGCAGCAGCAG.
Other names: c.861_872dup12 (NM_030665.3).
Identifiers: ClinVar variation 212014 (VCV000212014.53), dbSNP rs371983878, ClinGen allele CA206373.
Genomic context (GRCh38, chr17:17,793,779, plus strand): 5'-GGCCCCGGGGCAGCGGGTCCAGAATCTTCATGCCTACCAGTCGGGCCGCCTCAGCTATGA[C>CCAGCAGCAGCAG]CAGCAGCAGCAGCAGCAGCAGCAGCAGCAGCAGCAGCAGCAAGCCCTTCAGAGCCGGCAC-3'

ClinVar aggregate classification (germline): Conflicting classifications of pathogenicity. Review status: criteria provided, conflicting classifications (1 of 4 stars). 10 submissions from 10 submitters: Uncertain significance (1); Benign (3); Likely benign (5). 1 of the submissions does not count toward it. Last evaluated 2026-09-01.

Conditions:
Inborn genetic diseases. Identifiers: MedGen C0950123, MeSH D030342.
Intellectual disability. Also called: Intellectual functioning disability; Intellectual developmental disorder; intellectual disabilities. Identifiers: MedGen C3714756, MeSH D008607, MONDO:0001071, HP:0001249.
RAI1-related disorder. Also called: RAI1-related condition.

Submissions (10):

CeGaT Center for Human Genetics Tuebingen
Classification: Benign. Last evaluated: 2026-09-01. Review status: criteria provided, single submitter. Criteria: CeGaT Center For Human Genetics Tuebingen Variant Classification Criteria Version 2. Collection method: clinical testing. Allele origin: germline. Affected: yes. Observed: 26 variant alleles.
Comment: RAI1: BS1, BS2

Labcorp Genetics (formerly Invitae), Labcorp
Classification: Likely benign. Last evaluated: 2026-02-03. Review status: criteria provided, single submitter. Criteria: Invitae Variant Classification Sherloc (09022015). Collection method: clinical testing. Allele origin: germline.

Laboratory of Genetics, Children's Clinical University Hospital Latvia
Classification: Likely benign. Last evaluated: 2025-02-16. Review status: criteria provided, single submitter. Criteria: ACMG Guidelines, 2015. Collection method: clinical testing. Allele origin: germline. Affected: yes.

Blueprint Genetics
Classification: Likely benign. Last evaluated: 2024-11-19. Review status: criteria provided, single submitter. Criteria: ACMG Guidelines, 2015. Collection method: clinical testing. Allele origin: germline.

Cambridge Genomics Laboratory, East Genomic Laboratory Hub, NHS Genomic Medicine Service
Classification: Benign for Intellectual disability. Last evaluated: 2020-07-27. Review status: criteria provided, single submitter. Criteria: ACGS Best Practice Guidelines for Variant Classification in Rare Disease 2020. Collection method: clinical testing. Allele origin: germline. Affected: yes. Observed: 1 variant allele.

GeneDx
Classification: Benign. Last evaluated: 2020-02-19. Review status: criteria provided, single submitter. Criteria: GeneDx Variant Classification Process June 2021. Collection method: clinical testing. Allele origin: germline. Affected: yes.

Ambry Genetics
Classification: Likely benign for Inborn genetic diseases. Last evaluated: 2018-08-10. Review status: criteria provided, single submitter. Criteria: Ambry Variant Classification Scheme 2023. Collection method: clinical testing. Allele origin: germline.

Genetic Services Laboratory, University of Chicago
Classification: Likely benign. Last evaluated: 2014-05-12. Review status: criteria provided, single submitter. Criteria: ACMG Guidelines, 2015. Collection method: clinical testing. Allele origin: germline.

Eurofins Ntd Llc (ga)
Classification: Uncertain significance. Last evaluated: 2014-02-17. Review status: criteria provided, single submitter. Criteria: EGL Classification Definitions. Collection method: clinical testing. Allele origin: germline. Observed: 1 variant allele, 1 heterozygote.

PreventionGenetics, part of Exact Sciences
Classification: Benign for RAI1-related condition. Last evaluated: 2019-09-04. Review status: no assertion criteria provided. Collection method: clinical testing. Allele origin: germline. Not counted in ClinVar's aggregate classification.
Comment: This variant is classified as benign based on ACMG/AMP sequence variant interpretation guidelines (Richards et al. 2015 PMID: 25741868, with internal and published modifications).